The following is an entry in ClinVar:

ClinVar aggregate classification (germline): Uncertain significance. Review status: criteria provided, multiple submitters, no conflicts (2 of 4 stars). 3 submissions from 3 submitters: Uncertain significance (3). Last evaluated 2024-02-04.

Conditions:
Fanconi anemia (FA). Also called: Fanconi's anemia. Identifiers: Orphanet 84, MedGen C0015625, MeSH D005199, MONDO:0019391.

Allele frequency attached by ClinVar (database versions not stated): gnomAD exomes below 0.00001 and 0.00001; TOPMed 0.00001; ExAC 0.00002; gnomAD 0.00002; ESP Exome Variant Server 0.00008.

Submissions (3):

Quest Diagnostics Nichols Institute San Juan Capistrano
Classification: Uncertain significance. Last evaluated: 2024-02-04. Review status: criteria provided, single submitter. Criteria: Quest Diagnostics criteria. Collection method: clinical testing. Allele origin: unknown.
Comment: The FANCM c.2596C>T (p.Leu866Phe) variant has not been reported in individuals with FANCM-related conditions in the published literature. The frequency of this variant in the general population, 0.0000091 (2/220414 chromosomes (Genome Aggregation Database)), is uninformative in the assessment of its pathogenicity. Analysis of this variant using bioinformatics tools for the prediction of the effect of amino acid changes on protein structure and function yielded predictions that this variant is benign. Based on the available information, we are unable to determine the clinical significance of this variant.

Labcorp Genetics (formerly Invitae), Labcorp
Classification: Uncertain significance for Fanconi anemia. Last evaluated: 2023-12-18. Review status: criteria provided, single submitter. Criteria: Invitae Variant Classification Sherloc (09022015). Collection method: clinical testing. Allele origin: germline.
Comment: This sequence change replaces leucine, which is neutral and non-polar, with phenylalanine, which is neutral and non-polar, at codon 866 of the FANCM protein (p.Leu866Phe). The frequency data for this variant in the population databases is considered unreliable, as metrics indicate poor data quality at this position in the gnomAD database. This variant has not been reported in the literature in individuals affected with FANCM-related conditions. ClinVar contains an entry for this variant (Variation ID: 836966). Algorithms developed to predict the effect of missense changes on protein structure and function output the following: SIFT: "Not Available"; PolyPhen-2: "Benign"; Align-GVGD: "Not Available". The phenylalanine amino acid residue is found in multiple mammalian species, which suggests that this missense change does not adversely affect protein function. In summary, the available evidence is currently insufficient to determine the role of this variant in disease. Therefore, it has been classified as a Variant of Uncertain Significance.

GeneDx
Classification: Uncertain significance. Last evaluated: 2022-11-23. Review status: criteria provided, single submitter. Criteria: GeneDx Variant Classification Process June 2021. Collection method: clinical testing. Allele origin: germline. Affected: yes.
Comment: Not observed at significant frequency in large population cohorts (gnomAD); In silico analysis supports that this missense variant does not alter protein structure/function; Observed in an individual with low grade glioma (Lu et al., 2015); This variant is associated with the following publications: (PMID: 26689913)

NM_020937.4(FANCM):c.2596C>T (p.Leu866Phe)

Gene: FANCM (FA complementation group M; plus strand). Cytogenetic location: 14q21.2.
Variant type: single nucleotide variant.
Coding change: c.2596C>T on transcript NM_020937.4 (MANE Select); coding-DNA position 2596, C replaced by T.
Protein change: p.Leu866Phe; replaces leucine 866 with phenylalanine.
Molecular consequence: missense variant.
Genome position (GRCh38, 1-based): chr14:45,175,350, C>T. VCF-style: chr14-45175350-C-T. GRCh37 (hg19) VCF-style: chr14-45644553-C-T.
Other names: c.2518C>T, p.Leu840Phe (NM_001308133.2); c.2596C>T (NM_020937.3); short protein forms L840F, L866F.
Identifiers: ClinVar variation 836966 (VCV000836966.10), dbSNP rs367576875, ClinGen allele CA7169375.